The following is an entry in ClinVar:

NM_000037.4(ANK1):c.5498G>A (p.Arg1833Gln)

Gene: ANK1 (ankyrin 1; minus strand). Cytogenetic location: 8p11.21.
Variant type: single nucleotide variant.
Coding change: c.5498G>A on transcript NM_000037.4 (MANE Select); coding-DNA position 5498, G replaced by A.
Protein change: p.Arg1833Gln; replaces arginine 1833 with glutamine.
Molecular consequence: missense variant. On other transcripts: intron variant (1).
Genome position (GRCh38, 1-based): chr8:41,661,922, C>T on the plus strand (G>A on the coding strand, the complement: ANK1 is on the minus strand). VCF-style: chr8-41661922-C-T. GRCh37 (hg19) VCF-style: chr8-41519440-C-T.
Other names: c.323G>A, p.Arg108Gln (NM_001142445.2, NM_020478.5); c.5621G>A, p.Arg1874Gln (NM_001142446.2); c.5498G>A, p.Arg1833Gln (NM_020475.3, NM_020476.3); c.5012G>A, p.Arg1671Gln (NM_020477.3); c.303+1737G>A (NM_020480.5); short protein forms R108Q, R1671Q, R1833Q, R1874Q.
Identifiers: ClinVar variation 4879495 (VCV004879495.1).

ClinVar aggregate classification (germline): Uncertain significance (1 of 4 stars; one submission).

Conditions:
Hereditary spherocytosis type 1. Also called: Spherocytosis type 1; ANK1-Related Spherocytosis. Identifiers: Orphanet 822, MedGen C2674218, MONDO:0008447, OMIM 182900.

gnomAD v4.1: 24 of 1,613,858 alleles (0.0015%); highest among the groups gnomAD compares: Admixed American, 0.018%; no homozygotes.

Submission:

Clinical Genomics Laboratory, Washington University in St. Louis
Classification: Uncertain significance for Hereditary spherocytosis type 1. Last evaluated: 2026-02-10. Review status: criteria provided, single submitter. Criteria: ACMG Guidelines, 2015. Collection method: clinical testing. Allele origin: germline.
Comment: The ANK1 c.5498G>A (p.Arg1833Gln) variant, to our knowledge, has not been reported in the medical literature. This variant is only observed in 24/1613858 alleles in the general population (gnomAD v4.1.0), indicating it is not a common variant. Computational predictors are uncertain as to the impact of this variant on ANK1 function. Due to limited information, and based on ACMG/AMP guidelines for variant interpretation (Richards S et al., PMID: 25741868), the clinical significance of this variant is uncertain at this time.